The following is an entry in ClinVar:

NM_024675.4(PALB2):c.3501_3504del (p.Asp1168fs)

Gene: PALB2 (partner and localizer of BRCA2; minus strand). Cytogenetic location: 16p12.2.
Variant type: Deletion.
Coding change: c.3501_3504del on transcript NM_024675.4 (MANE Select); coding-DNA positions 3501 to 3504, 4 bases deleted (AGAC; older notation c.3501_3504delAGAC).
Protein change: p.Asp1168fs; shifts the reading frame from aspartic acid 1168.
Molecular consequence: frameshift variant.
Genome position (GRCh38, 1-based): chr16:23,603,516-23,603,519, GTCT deleted on the plus strand (AGAC on the coding strand, the reverse complement: PALB2 is on the minus strand); deleting any 4 consecutive bases within chr16:23,603,516-23,603,521 gives the same sequence; the c. name uses the placement nearest the transcript's 3' end. VCF-style (leftmost placement, unchanged base first): chr16-23603515-AGTCT-A. GRCh37 (hg19) VCF-style: chr16-23614836-AGTCT-A.
Other names: short protein forms D1168fs.
Identifiers: ClinVar variation 1454726 (VCV001454726.9), dbSNP rs2142251992, ClinGen allele CA2573152144.

ClinVar aggregate classification (germline): Pathogenic (1 of 4 stars; one submission).

Conditions:
Familial cancer of breast. Also called: Hereditary breast cancer; hereditary breast carcinoma; BREAST CANCER, FAMILIAL. Identifiers: Orphanet 227535, MedGen C0346153, MONDO:0016419, OMIM 114480. Disease mechanism: loss of function.

Submission:

Labcorp Genetics (formerly Invitae), Labcorp
Classification: Pathogenic for Familial cancer of breast. Last evaluated: 2022-01-27. Review status: criteria provided, single submitter. Criteria: Invitae Variant Classification Sherloc (09022015). Collection method: clinical testing. Allele origin: germline.
Comment: For these reasons, this variant has been classified as Pathogenic. This variant disrupts a region of the PALB2 protein in which other variant(s) (p.Tyr1183*) have been determined to be pathogenic (PMID: 17200671, 20927582, 21165770, 21365267, 26283626, 26296701). This suggests that this is a clinically significant region of the protein, and that variants that disrupt it are likely to be disease-causing. This variant has not been reported in the literature in individuals affected with PALB2-related conditions. This variant is not present in population databases (gnomAD no frequency). This sequence change results in a frameshift in the PALB2 gene (p.Asp1168Leufs*22). While this is not anticipated to result in nonsense mediated decay, it is expected to disrupt the last 19 amino acid(s) of the PALB2 protein and extend the protein by 2 additional amino acid residues.

Literature cited by the submitters: PubMed 17200671; PubMed 20927582; PubMed 21165770; PubMed 21365267; PubMed 26283626; PubMed 26296701.